The following is an entry in ClinVar:

NM_019032.6(ADAMTSL4):c.2057G>A (p.Arg686His)

Genes: ADAMTSL4-AS2 (ADAMTSL4 antisense RNA 2; minus strand), ADAMTSL4 (ADAMTS like 4; plus strand). Cytogenetic location: 1q21.2.
Variant type: single nucleotide variant.
Coding change: c.2057G>A on transcript NM_019032.6 (MANE Select); coding-DNA position 2057, G replaced by A.
Protein change: p.Arg686His; replaces arginine 686 with histidine.
Molecular consequence: missense variant.
Genome position (GRCh38, 1-based): chr1:150,557,503, G>A. VCF-style: chr1-150557503-G-A. GRCh37 (hg19) VCF-style: chr1-150529979-G-A.
Other names: c.1940G>A, p.Arg647His (NM_001288607.2); c.2126G>A, p.Arg709His (NM_001288608.2); c.2057G>A, p.Arg686His (NM_001378596.1, NM_025008.5); short protein forms R647H, R709H, R686H.
Identifiers: ClinVar variation 1462238 (VCV001462238.4), dbSNP rs746430948, ClinGen allele CA1078520.

ClinVar aggregate classification (germline): Uncertain significance (1 of 4 stars; one submission).

Allele frequency attached by ClinVar (database versions not stated): gnomAD exomes 0.00003.
gnomAD v4.1: 40 of 1,613,004 alleles (0.0025%); highest among the groups gnomAD compares: East Asian, 0.016%; 1 homozygote.

Submission:

Labcorp Genetics (formerly Invitae), Labcorp
Classification: Uncertain significance. Last evaluated: 2024-10-31. Review status: criteria provided, single submitter. Criteria: Invitae Variant Classification Sherloc (09022015). Collection method: clinical testing. Allele origin: germline.
Comment: This sequence change replaces arginine, which is basic and polar, with histidine, which is basic and polar, at codon 686 of the ADAMTSL4 protein (p.Arg686His). This variant is present in population databases (rs746430948, gnomAD 0.06%). This variant has not been reported in the literature in individuals affected with ADAMTSL4-related conditions. ClinVar contains an entry for this variant (Variation ID: 1462238). Invitae Evidence Modeling of protein sequence and biophysical properties (such as structural, functional, and spatial information, amino acid conservation, physicochemical variation, residue mobility, and thermodynamic stability) indicates that this missense variant is not expected to disrupt ADAMTSL4 protein function with a negative predictive value of 80%. In summary, the available evidence is currently insufficient to determine the role of this variant in disease. Therefore, it has been classified as a Variant of Uncertain Significance.